The following is an entry in ClinVar:

ClinVar aggregate classification (germline): Pathogenic (1 of 4 stars; one submission).

Conditions:
CEP290-related ciliopathy. Also called: CEP290 ciliopathy. Identifiers: MedGen CN305601, MONDO:0100451.

Submission:

Myriad Genetics, Inc.
Classification: Pathogenic for CEP290-related ciliopathy. Last evaluated: 2025-08-07. Review status: criteria provided, single submitter. Criteria: Myriad Autosomal Dominant, Autosomal Recessive and X-Linked Classification Criteria (2023). Collection method: clinical testing. Allele origin: unknown.
Comment: NM_025114.3(CEP290):c.6718delC(Q2240Nfs*2) is expected to be pathogenic in the context of CEP290-related disorders. This variant is predicted to lead to an abnormal or absent protein product due to the creation of a premature termination codon in CEP290, a gene where loss-of-function variants are known to be pathogenic. Please note: this variant was assessed in the context of healthy population screening.

NM_025114.4(CEP290):c.6718del (p.Gln2240fs)

Gene: CEP290 (centrosomal protein 290; minus strand). Cytogenetic location: 12q21.32.
Variant type: Deletion.
Coding change: c.6718del on transcript NM_025114.4 (MANE Select); coding-DNA position 6718, one base deleted (C; older notation c.6718delC).
Protein change: p.Gln2240fs; shifts the reading frame from glutamine 2240.
Molecular consequence: frameshift variant.
Genome position (GRCh38, 1-based): chr12:88,058,948, G deleted on the plus strand (C on the coding strand, the reverse complement: CEP290 is on the minus strand). VCF-style (leftmost placement, unchanged base first): chr12-88058947-TG-T. GRCh37 (hg19) VCF-style: chr12-88452724-TG-T.
Other names: short protein forms Q2240fs.
Identifiers: ClinVar variation 5014839 (VCV005014839.1).